The following is an entry in ClinVar:

ClinVar aggregate classification (germline): Uncertain significance (1 of 4 stars; one submission).

Conditions:
FG syndrome (FGS). Identifiers: MedGen C0220769, MONDO:0002010.

Submission:

Labcorp Genetics (formerly Invitae), Labcorp
Classification: Uncertain significance for FG syndrome. Last evaluated: 2022-01-02. Review status: criteria provided, single submitter. Criteria: Invitae Variant Classification Sherloc (09022015). Collection method: clinical testing. Allele origin: germline.
Comment: Advanced modeling of protein sequence and biophysical properties (such as structural, functional, and spatial information, amino acid conservation, physicochemical variation, residue mobility, and thermodynamic stability) performed at Invitae indicates that this missense variant is not expected to disrupt MED12 protein function. In summary, the available evidence is currently insufficient to determine the role of this variant in disease. Therefore, it has been classified as a Variant of Uncertain Significance. This variant has not been reported in the literature in individuals affected with MED12-related conditions. This variant is not present in population databases (gnomAD no frequency). This sequence change replaces leucine, which is neutral and non-polar, with arginine, which is basic and polar, at codon 804 of the MED12 protein (p.Leu804Arg).

NM_005120.3(MED12):c.2411T>G (p.Leu804Arg)

Gene: MED12 (mediator complex subunit 12; plus strand). Cytogenetic location: Xq13.1.
Variant type: single nucleotide variant.
Coding change: c.2411T>G on transcript NM_005120.3 (MANE Select); coding-DNA position 2411, T replaced by G.
Protein change: p.Leu804Arg; replaces leucine 804 with arginine.
Molecular consequence: missense variant.
Genome position (GRCh38, 1-based): chrX:71,125,702, T>G. VCF-style: chrX-71125702-T-G. GRCh37 (hg19) VCF-style: chrX-70345552-T-G.
Other names: short protein forms L804R.
Identifiers: ClinVar variation 2069598 (VCV002069598.4), dbSNP rs2092301265, ClinGen allele CA413514998.